The following is an entry in ClinVar:

NM_001382567.1(STIM1):c.1463T>A (p.Leu488Ter)

Gene: STIM1 (stromal interaction molecule 1; plus strand). Cytogenetic location: 11p15.4.
Variant type: single nucleotide variant.
Coding change: c.1463T>A on transcript NM_001382567.1 (MANE Select); coding-DNA position 1463, T replaced by A.
Protein change: p.Leu488Ter; replaces leucine 488 with a stop codon.
Molecular consequence: nonsense. On other transcripts: non-coding transcript variant (2).
Genome position (GRCh38, 1-based): chr11:4,083,487, T>A. VCF-style: chr11-4083487-T-A. GRCh37 (hg19) VCF-style: chr11-4104717-T-A.
Other names: c.1463T>A, p.Leu488Ter (NM_001277961.3, NM_001277962.2, NM_003156.4); c.1241T>A, p.Leu414Ter (NM_001382566.1, NM_001382573.1, NM_001382575.1 and 4 more transcripts); c.1484T>A, p.Leu495Ter (NM_001382568.1); c.1328T>A, p.Leu443Ter (NM_001382569.1); c.1235T>A, p.Leu412Ter (NM_001382570.1); c.983T>A, p.Leu328Ter (NM_001382571.1); c.974T>A, p.Leu325Ter (NM_001382580.1, NM_001382581.1); short protein forms L328*, L414*, L443*, L325*, L412*, L495*, L488*.
Identifiers: ClinVar variation 2928208 (VCV002928208.3), dbSNP rs2498479376, ClinGen allele CA379194526.

ClinVar aggregate classification (germline): Pathogenic (1 of 4 stars; one submission).

Conditions:
Combined immunodeficiency due to STIM1 deficiency. Also called: IMMUNODEFICIENCY 10; STIM1 DEFICIENCY. Identifiers: Orphanet 169090, Orphanet 317430, MedGen C2748557, MONDO:0013008, OMIM 612783.
Stormorken syndrome (STRMK). Also called: THROMBOCYTOPATHY, ASPLENIA, AND MIOSIS. Identifiers: Orphanet 3204, MedGen C1861451, MONDO:0008497, OMIM 185070.
Myopathy with tubular aggregates (TAM). Also called: Tubular Aggregate Myopathy. Identifiers: Orphanet 2593, MedGen C0410207, MONDO:0008051.

Allele frequency attached by ClinVar (database versions not stated): gnomAD exomes below 0.00001.
gnomAD v4.1: 1 of 1,613,806 alleles (0.000062%); highest among the groups gnomAD compares: Non-Finnish European, 0.000085%; no homozygotes.

Submission:

Labcorp Genetics (formerly Invitae), Labcorp
Classification: Pathogenic for Myopathy with tubular aggregates; Combined immunodeficiency due to STIM1 deficiency; Stormorken syndrome. Last evaluated: 2023-07-16. Review status: criteria provided, single submitter. Criteria: Invitae Variant Classification Sherloc (09022015). Collection method: clinical testing. Allele origin: germline.
Comment: For these reasons, this variant has been classified as Pathogenic. This variant has not been reported in the literature in individuals affected with STIM1-related conditions. This variant is not present in population databases (gnomAD no frequency). This sequence change creates a premature translational stop signal (p.Leu488*) in the STIM1 gene. It is expected to result in an absent or disrupted protein product. Loss-of-function variants in STIM1 are known to be pathogenic (PMID: 19420366, 20876309).

Literature cited by the submitters: PubMed 19420366; PubMed 20876309.